The following is an entry in ClinVar:

NM_147686.4(TRAF3IP2):c.531G>A (p.Met177Ile)

Genes: TRAF3IP2 (TRAF3 interacting protein 2; minus strand), TRAF3IP2-AS1 (TRAF3IP2 antisense RNA 1; plus strand), LOC114803478 (TRAF3IP2 eExon liver enhancer; plus strand). Cytogenetic location: 6q21.
Variant type: single nucleotide variant.
Coding change: c.531G>A on transcript NM_147686.4 (MANE Select); coding-DNA position 531, G replaced by A.
Protein change: p.Met177Ile; replaces methionine 177 with isoleucine.
Molecular consequence: missense variant.
Genome position (GRCh38, 1-based): chr6:111,591,556, C>T on the plus strand (G>A on the coding strand, the complement: TRAF3IP2 is on the minus strand). VCF-style: chr6-111591556-C-T. GRCh37 (hg19) VCF-style: chr6-111912759-C-T.
Other names: c.531G>A, p.Met177Ile (NM_001164281.3); c.558G>A, p.Met186Ile (NM_147200.3); short protein forms M177I, M186I.
Identifiers: ClinVar variation 1024424 (VCV001024424.6), dbSNP rs1325874110, ClinGen allele CA365367036.
Genomic context (GRCh38, chr6:111,591,556, plus strand): 5'-CGTGTCTATGGTTGGCAGATCCAGGCCTGCTCGGTTCCTGTGAGGCTGGGGCCGTTGCAC[C>T]ATCTCCTGGCTACCGCCCAAGGAGTCTGCTGAGGCATTAGGTAAACTTTGGTCTGATTTG-3'
Protein context (NP_679211.2, residues 167-187): SADSLGGSQE[Met177Ile]VQRPQPHRNR

ClinVar aggregate classification (germline): Uncertain significance (1 of 4 stars; one submission).

Conditions:
Candidiasis, familial, 8 (CANDF8). Identifiers: Orphanet 1334, MedGen C3714992, MONDO:0014230, OMIM 615527.

Allele frequency attached by ClinVar (database versions not stated): gnomAD exomes below 0.00001 and 0.00001; gnomAD 0.00001; TOPMed 0.00001.

Submission:

Labcorp Genetics (formerly Invitae), Labcorp
Classification: Uncertain significance for Candidiasis, familial, 8. Last evaluated: 2022-07-30. Review status: criteria provided, single submitter. Criteria: Invitae Variant Classification Sherloc (09022015). Collection method: clinical testing. Allele origin: germline.
Comment: This sequence change replaces methionine, which is neutral and non-polar, with isoleucine, which is neutral and non-polar, at codon 177 of the TRAF3IP2 protein (p.Met177Ile). This variant is present in population databases (no rsID available, gnomAD 0.007%). This variant has not been reported in the literature in individuals affected with TRAF3IP2-related conditions. ClinVar contains an entry for this variant (Variation ID: 1024424). Algorithms developed to predict the effect of missense changes on protein structure and function (SIFT, PolyPhen-2, Align-GVGD) all suggest that this variant is likely to be tolerated. In summary, the available evidence is currently insufficient to determine the role of this variant in disease. Therefore, it has been classified as a Variant of Uncertain Significance.